The following is an entry in ClinVar:

NM_000297.4(PKD2):c.1870G>A (p.Asp624Asn)

Gene: PKD2 (polycystin 2, transient receptor potential cation channel; plus strand). Cytogenetic location: 4q22.1.
Variant type: single nucleotide variant.
Coding change: c.1870G>A on transcript NM_000297.4 (MANE Select); coding-DNA position 1870, G replaced by A.
Protein change: p.Asp624Asn; replaces aspartic acid 624 with asparagine.
Molecular consequence: missense variant. On other transcripts: non-coding transcript variant (1).
Genome position (GRCh38, 1-based): chr4:88,056,239, G>A. VCF-style: chr4-88056239-G-A. GRCh37 (hg19) VCF-style: chr4-88977391-G-A.
Other names: c.1645G>A, p.Asp549Asn (NM_001440544.1); short protein forms D549N, D624N.
Identifiers: ClinVar variation 4705438 (VCV004705438.1).
Genomic context (GRCh38, chr4:88,056,239, plus strand): 5'-TTCTTCATTATTTTCCTAGCGTATGCTCAGTTGGCATACCTTGTCTTTGGCACTCAGGTC[G>A]ATGACTTCAGTACTTTCCAAGAGTGTATGTAAGTATATATGAAATTAAGAAGAAAAATTT-3'
Protein context (NP_000288.1, residues 614-634): LAYLVFGTQV[Asp624Asn]DFSTFQECIF

ClinVar aggregate classification (germline): Uncertain significance (1 of 4 stars; one submission).

Conditions:
Autosomal dominant polycystic kidney disease. Identifiers: Orphanet 730, MedGen C0085413, MONDO:0004691.

gnomAD v4.1: 10 of 1,612,348 alleles (0.00062%); highest among the groups gnomAD compares: Admixed American, 0.005%; no homozygotes.

Submission:

Labcorp Genetics (formerly Invitae), Labcorp
Classification: Uncertain significance for Autosomal dominant polycystic kidney disease. Last evaluated: 2025-06-09. Review status: criteria provided, single submitter. Criteria: Invitae Variant Classification Sherloc (09022015). Collection method: clinical testing. Allele origin: germline.
Comment: This sequence change replaces aspartic acid, which is acidic and polar, with asparagine, which is neutral and polar, at codon 624 of the PKD2 protein (p.Asp624Asn). This variant is present in population databases (rs757656223, gnomAD 0.009%). This variant has not been reported in the literature in individuals affected with PKD2-related conditions. Invitae Evidence Modeling of protein sequence and biophysical properties (such as structural, functional, and spatial information, amino acid conservation, physicochemical variation, residue mobility, and thermodynamic stability) indicates that this missense variant is not expected to disrupt PKD2 protein function with a negative predictive value of 80%. In summary, the available evidence is currently insufficient to determine the role of this variant in disease. Therefore, it has been classified as a Variant of Uncertain Significance.